The following is an entry in ClinVar:

ClinVar aggregate classification (germline): Uncertain significance (1 of 4 stars; one submission).

Allele frequency attached by ClinVar (database versions not stated): gnomAD exomes below 0.00001; TOPMed below 0.00001.
gnomAD v4.1: 1 of 1,597,340 alleles (0.000063%); highest among the groups gnomAD compares: African/African-American, 0.0013%; no homozygotes.

Submission:

GeneDx
Classification: Uncertain significance. Last evaluated: 2020-10-14. Review status: criteria provided, single submitter. Criteria: GeneDx Variant Classification Process June 2021. Collection method: clinical testing. Allele origin: germline. Affected: yes.
Comment: Not observed in large population cohorts (Lek et al., 2016); In silico analysis supports that this missense variant does not alter protein structure/function; Has not been previously published as pathogenic or benign to our knowledge

NM_001287491.2(TET3):c.5214G>C (p.Lys1738Asn)

Gene: TET3 (tet methylcytosine dioxygenase 3; plus strand). Cytogenetic location: 2p13.1.
Variant type: single nucleotide variant.
Coding change: c.5214G>C on transcript NM_001287491.2 (MANE Select); coding-DNA position 5214, G replaced by C.
Protein change: p.Lys1738Asn; replaces lysine 1738 with asparagine.
Molecular consequence: missense variant.
Genome position (GRCh38, 1-based): chr2:74,102,002, G>C. VCF-style: chr2-74102002-G-C. GRCh37 (hg19) VCF-style: chr2-74329129-G-C.
Other names: c.4935G>C, p.Lys1645Asn (NM_001366022.1); short protein forms K1645N, K1738N.
Identifiers: ClinVar variation 1313380 (VCV001313380.2), dbSNP rs1691249064, ClinGen allele CA347324361.